The following is an entry in ClinVar:

NM_005422.4(TECTA):c.2887G>A (p.Ala963Thr)

Genes: TBCEL-TECTA (TBCEL-TECTA readthrough; plus strand), TECTA (tectorin alpha; plus strand), LOC126861365 (P300/CBP strongly-dependent group 1 enhancer GRCh37_chr11:121000154-121001353; plus strand). Cytogenetic location: 11q23.3.
Variant type: single nucleotide variant.
Coding change: c.2887G>A on transcript NM_005422.4 (MANE Select); coding-DNA position 2887, G replaced by A.
Protein change: p.Ala963Thr; replaces alanine 963 with threonine.
Molecular consequence: missense variant.
Genome position (GRCh38, 1-based): chr11:121,130,157, G>A. VCF-style: chr11-121130157-G-A. GRCh37 (hg19) VCF-style: chr11-121000866-G-A.
Other names: c.3844G>A, p.Ala1282Thr (NM_001378761.1); short protein forms A963T, A1282T.
Identifiers: ClinVar variation 236059 (VCV000236059.2), dbSNP rs753896285, ClinGen allele CA6327088.

ClinVar aggregate classification (germline): Uncertain significance. Review status: criteria provided, single submitter (1 of 4 stars). 2 submissions from 2 submitters: Uncertain significance (1). 1 of the submissions does not count toward it. Last evaluated 2024-06-10.

Conditions:
Autosomal dominant nonsyndromic hearing loss 12. Also called: DEAFNESS, AUTOSOMAL DOMINANT 8. Identifiers: Orphanet 90635, MedGen C1832187, MONDO:0011102, OMIM 601543.

Allele frequency attached by ClinVar (database versions not stated): gnomAD 0.00001; gnomAD exomes 0.00001 and 0.00002; TOPMed 0.00002; ExAC 0.00003.
gnomAD v4.1: 23 of 1,607,148 alleles (0.0014%); highest among the groups gnomAD compares: East Asian, 0.0022%; no homozygotes.

Submissions (2):

Blueprint Genetics
Classification: Uncertain significance. Last evaluated: 2024-06-10. Review status: criteria provided, single submitter. Criteria: ACMG Guidelines, 2015. Collection method: clinical testing. Allele origin: germline.

Laboratory of Prof. Karen Avraham, Tel Aviv University
Classification: Pathogenic for Autosomal dominant nonsyndromic hearing loss 12. Last evaluated: 2016-02-19. Review status: no assertion criteria provided. Collection method: research. Allele origin: germline. Affected: yes. Not counted in ClinVar's aggregate classification.
Comment: Congenital, progressive, severe-profound HL

NSHL; dominant, DFNA12